The following is an entry in ClinVar:

NM_198076.6(COX20):c.269T>C (p.Ile90Thr)

Gene: COX20 (cytochrome c oxidase assembly factor COX20; plus strand). Cytogenetic location: 1q44.
Variant type: single nucleotide variant.
Coding change: c.269T>C on transcript NM_198076.6 (MANE Select); coding-DNA position 269, T replaced by C.
Protein change: p.Ile90Thr; replaces isoleucine 90 with threonine.
Molecular consequence: missense variant. On other transcripts: 3 prime UTR variant (1), non-coding transcript variant (3).
Genome position (GRCh38, 1-based): chr1:244,843,088, T>C. VCF-style: chr1-244843088-T-C. GRCh37 (hg19) VCF-style: chr1-245006390-T-C.
Other names: c.269T>C, p.Ile90Thr (NM_001312871.1); c.305T>C, p.Ile102Thr (NM_001312872.1); c.134T>C, p.Ile45Thr (NM_001312873.1); c.*79T>C (NM_001312874.1); short protein forms I102T, I45T, I90T.
Identifiers: ClinVar variation 1516412 (VCV001516412.6), dbSNP rs150172035, ClinGen allele CA1486180.

ClinVar aggregate classification (germline): Uncertain significance. Review status: criteria provided, multiple submitters, no conflicts (2 of 4 stars). 2 submissions from 2 submitters: Uncertain significance (2). Last evaluated 2022-05-02.

Conditions:
Mitochondrial complex IV deficiency, nuclear type 11. Also called: Mitochondrial complex 4 deficiency, nuclear type 11. Identifiers: MedGen C5436694, MONDO:0033645, OMIM 619054.

Allele frequency attached by ClinVar (database versions not stated): gnomAD 0.00005 and 0.00003; ESP Exome Variant Server 0.00015; gnomAD exomes 0.00003 and 0.00004; ExAC 0.00002; TOPMed 0.00002.
gnomAD v4.1: 62 of 1,594,938 alleles (0.0039%); highest among the groups gnomAD compares: South Asian, 0.0057%; no homozygotes.

Submissions (2):

Labcorp Genetics (formerly Invitae), Labcorp
Classification: Uncertain significance. Last evaluated: 2022-05-02. Review status: criteria provided, single submitter. Criteria: Invitae Variant Classification Sherloc (09022015). Collection method: clinical testing. Allele origin: germline.
Comment: This sequence change replaces isoleucine, which is neutral and non-polar, with threonine, which is neutral and polar, at codon 90 of the COX20 protein (p.Ile90Thr). This variant is present in population databases (rs150172035, gnomAD 0.009%). This variant has not been reported in the literature in individuals affected with COX20-related conditions. Algorithms developed to predict the effect of missense changes on protein structure and function (SIFT, PolyPhen-2, Align-GVGD) all suggest that this variant is likely to be tolerated. In summary, the available evidence is currently insufficient to determine the role of this variant in disease. Therefore, it has been classified as a Variant of Uncertain Significance.

Fulgent Genetics
Classification: Uncertain significance for Mitochondrial complex IV deficiency, nuclear type 11. Last evaluated: 2021-12-01. Review status: criteria provided, single submitter. Criteria: ACMG Guidelines, 2015. Collection method: clinical testing. Allele origin: unknown.